The following is an entry in ClinVar:

NM_001113378.2(FANCI):c.50T>G (p.Leu17Arg)

Gene: FANCI (FA complementation group I; plus strand). Cytogenetic location: 15q26.1.
Variant type: single nucleotide variant.
Coding change: c.50T>G on transcript NM_001113378.2 (MANE Select); coding-DNA position 50, T replaced by G.
Protein change: p.Leu17Arg; replaces leucine 17 with arginine.
Molecular consequence: missense variant. On other transcripts: 5 prime UTR variant (1).
Genome position (GRCh38, 1-based): chr15:89,247,697, T>G. VCF-style: chr15-89247697-T-G. GRCh37 (hg19) VCF-style: chr15-89790928-T-G.
Other names: c.-225T>G (NM_001376910.1); c.50T>G, p.Leu17Arg (NM_001376911.1, NM_018193.3); short protein forms L17R.
Identifiers: ClinVar variation 1420910 (VCV001420910.6), dbSNP rs775891592, ClinGen allele CA393736368.

ClinVar aggregate classification (germline): Uncertain significance (1 of 4 stars; one submission).

Conditions:
Fanconi anemia (FA). Also called: Fanconi's anemia. Identifiers: Orphanet 84, MedGen C0015625, MeSH D005199, MONDO:0019391.

Submission:

Labcorp Genetics (formerly Invitae), Labcorp
Classification: Uncertain significance for Fanconi anemia. Last evaluated: 2023-07-17. Review status: criteria provided, single submitter. Criteria: Invitae Variant Classification Sherloc (09022015). Collection method: clinical testing. Allele origin: germline.
Comment: This sequence change replaces leucine, which is neutral and non-polar, with arginine, which is basic and polar, at codon 17 of the FANCI protein (p.Leu17Arg). This variant is not present in population databases (gnomAD no frequency). In summary, the available evidence is currently insufficient to determine the role of this variant in disease. Therefore, it has been classified as a Variant of Uncertain Significance. Advanced modeling of protein sequence and biophysical properties (such as structural, functional, and spatial information, amino acid conservation, physicochemical variation, residue mobility, and thermodynamic stability) performed at Invitae indicates that this missense variant is expected to disrupt FANCI protein function. ClinVar contains an entry for this variant (Variation ID: 1420910). This variant has not been reported in the literature in individuals affected with FANCI-related conditions.